The following is an entry in ClinVar:

NM_000044.6(AR):c.215A>G (p.Gln72Arg)

Genes: AR (androgen receptor; plus strand), LOC109504725 (androgen receptor repeat instability region; plus strand). Cytogenetic location: Xq12.
Variant type: single nucleotide variant.
Coding change: c.215A>G on transcript NM_000044.6 (MANE Select); coding-DNA position 215, A replaced by G.
Protein change: p.Gln72Arg; replaces glutamine 72 with arginine.
Molecular consequence: missense variant. On other transcripts: 5 prime UTR variant (1).
Genome position (GRCh38, 1-based): chrX:67,545,361, A>G. VCF-style: chrX-67545361-A-G. GRCh37 (hg19) VCF-style: chrX-66765203-A-G.
Other names: c.-1569A>G (NM_001011645.3); c.215A>G, p.Gln72Arg (NM_001348061.1, NM_001348063.1, NM_001348064.1); short protein forms Q72R.
Identifiers: ClinVar variation 4978620 (VCV004978620.1).

ClinVar aggregate classification (germline): Uncertain significance (1 of 4 stars; one submission).

Conditions:
AR-related disorder. Also called: AR-related condition.

Submission:

PreventionGenetics, part of Exact Sciences
Classification: Uncertain significance for AR-related condition. Last evaluated: 2025-08-28. Review status: criteria provided, single submitter. Criteria: ACMG Guidelines, 2015. Collection method: clinical testing. Allele origin: germline.
Comment: The AR c.215A>G variant is predicted to result in the amino acid substitution p.Gln72Arg. This variant was reported in an individual with polycystic ovary syndrome (Tian et al. 2021. PubMed ID: 33262817). This variant is not reported in gnomAD, indicating that it is rare. At this time, the clinical significance of this variant is uncertain due to the absence of conclusive functional and genetic evidence.